The following is an entry in ClinVar:

ClinVar aggregate classification (germline): Likely benign (0 of 4 stars; one submission).

Conditions:
SEMA3D-related disorder. Also called: SEMA3D-related condition.

Submission:

PreventionGenetics, part of Exact Sciences
Classification: Likely benign for SEMA3D-related condition. Last evaluated: 2024-06-01. Review status: no assertion criteria provided. Collection method: clinical testing. Allele origin: germline.
Comment: This variant is classified as likely benign based on ACMG/AMP sequence variant interpretation guidelines (Richards et al. 2015 PMID: 25741868, with internal and published modifications).

NM_001384900.1(SEMA3D):c.-10T>G

Gene: SEMA3D (semaphorin 3D; minus strand). Cytogenetic location: 7q21.11.
Variant type: single nucleotide variant.
Coding change: c.-10T>G on transcript NM_001384900.1 (MANE Select); 10 bases upstream of the start codon, T replaced by G.
Molecular consequence: 5 prime UTR variant.
Genome position (GRCh38, 1-based): chr7:85,121,901, A>C on the plus strand (T>G on the coding strand, the complement: SEMA3D is on the minus strand). VCF-style: chr7-85121901-A-C. GRCh37 (hg19) VCF-style: chr7-84751217-A-C.
Other names: c.-10T>G (NM_001384901.1, NM_001384902.1, NM_001384903.1 and 1 more transcripts).
Identifiers: ClinVar variation 3347571 (VCV003347571.1).